The following is an entry in ClinVar:

ClinVar aggregate classification (germline): Conflicting classifications of pathogenicity. Review status: criteria provided, conflicting classifications (1 of 4 stars). 3 submissions from 3 submitters: Uncertain significance (2); Likely benign (1). Last evaluated 2025-11-12.

Allele frequency attached by ClinVar (database versions not stated): TOPMed below 0.00001; gnomAD 0.00001; gnomAD exomes 0.00003; ExAC 0.00024.
gnomAD v4.1: 46 of 1,551,132 alleles (0.003%); highest among the groups gnomAD compares: South Asian, 0.049%; no homozygotes.

Submissions (3):

Women's Health and Genetics/Laboratory Corporation of America, LabCorp
Classification: Uncertain significance. Last evaluated: 2025-11-12. Review status: criteria provided, single submitter. Criteria: LabCorp Variant Classification Summary - May 2015. Collection method: clinical testing. Allele origin: germline.

Labcorp Genetics (formerly Invitae), Labcorp
Classification: Uncertain significance. Last evaluated: 2025-08-19. Review status: criteria provided, single submitter. Criteria: Invitae Variant Classification Sherloc (09022015). Collection method: clinical testing. Allele origin: germline.
Comment: This sequence change falls in intron 13 of the MYO7A gene. It does not directly change the encoded amino acid sequence of the MYO7A protein. It affects a nucleotide within the consensus splice site. This variant is present in population databases (rs781937613, gnomAD 0.07%). This variant has not been reported in the literature in individuals affected with MYO7A-related conditions. ClinVar contains an entry for this variant (Variation ID: 2147555). Variants that disrupt the consensus splice site are a relatively common cause of aberrant splicing (PMID: 17576681, 9536098). Algorithms developed to predict the effect of sequence changes on RNA splicing suggest that this variant is not likely to affect RNA splicing. In summary, the available evidence is currently insufficient to determine the role of this variant in disease. Therefore, it has been classified as a Variant of Uncertain Significance.

Blueprint Genetics
Classification: Likely benign. Last evaluated: 2023-12-15. Review status: criteria provided, single submitter. Criteria: ACMG Guidelines, 2015. Collection method: clinical testing. Allele origin: germline.

Literature cited by the submitters: PubMed 17576681 (cited by Labcorp Genetics (formerly Invitae), Labcorp); PubMed 9536098 (cited by Labcorp Genetics (formerly Invitae), Labcorp).

NM_000260.4(MYO7A):c.1554+4G>A

Gene: MYO7A (myosin VIIA; plus strand). Cytogenetic location: 11q13.5.
Variant type: single nucleotide variant.
Coding change: c.1554+4G>A on transcript NM_000260.4 (MANE Select); 4 bases into the intron after coding-DNA position 1554, G replaced by A.
Molecular consequence: intron variant.
Genome position (GRCh38, 1-based): chr11:77,162,334, G>A. VCF-style: chr11-77162334-G-A. GRCh37 (hg19) VCF-style: chr11-76873380-G-A.
Other names: c.1521+4G>A (NM_001369365.1); c.1554+4G>A (NM_001127180.2).
Identifiers: ClinVar variation 2147555 (VCV002147555.4), dbSNP rs781937613, ClinGen allele CA6197507.